The following is an entry in ClinVar:

ClinVar aggregate classification (germline): Conflicting classifications of pathogenicity. Review status: criteria provided, conflicting classifications (1 of 4 stars). 2 submissions from 2 submitters: Uncertain significance (1); Likely benign (1). Last evaluated 2025-09-05.

Conditions:
GM1 gangliosidosis. Identifiers: Orphanet 354, MedGen C0085131, MONDO:0018149.
Mucopolysaccharidosis, MPS-IV-B (MPS4B). Also called: Mucopolysaccharidosis type IV B; Mucopolysaccharidosis type 4B; MORQUIO SYNDROME B; Mucopolysaccharidosis type IVB (Morquio); MPS IVB; Mucopolysaccharidosis Type IVB. Identifiers: Orphanet 309310, Orphanet 582, MedGen C0086652, MONDO:0009660, OMIM 253010.
Inborn genetic diseases. Identifiers: MedGen C0950123, MeSH D030342.

Allele frequency attached by ClinVar (database versions not stated): gnomAD exomes below 0.00001.
gnomAD v4.1: 5 of 1,614,236 alleles (0.00031%); highest among the groups gnomAD compares: South Asian, 0.0033%; no homozygotes.

Submissions (2):

Ambry Genetics
Classification: Likely benign for Inborn genetic diseases. Last evaluated: 2025-09-05. Review status: criteria provided, single submitter. Criteria: Ambry Variant Classification Scheme 2023. Collection method: clinical testing. Allele origin: germline.

Labcorp Genetics (formerly Invitae), Labcorp
Classification: Uncertain significance for Mucopolysaccharidosis, MPS-IV-B; GM1 gangliosidosis. Last evaluated: 2022-08-13. Review status: criteria provided, single submitter. Criteria: Invitae Variant Classification Sherloc (09022015). Collection method: clinical testing. Allele origin: germline.
Comment: This sequence change replaces serine, which is neutral and polar, with asparagine, which is neutral and polar, at codon 302 of the GLB1 protein (p.Ser302Asn). This variant is not present in population databases (gnomAD no frequency). This variant has not been reported in the literature in individuals affected with GLB1-related conditions. Advanced modeling of protein sequence and biophysical properties (such as structural, functional, and spatial information, amino acid conservation, physicochemical variation, residue mobility, and thermodynamic stability) performed at Invitae indicates that this missense variant is not expected to disrupt GLB1 protein function. In summary, the available evidence is currently insufficient to determine the role of this variant in disease. Therefore, it has been classified as a Variant of Uncertain Significance.

NM_000404.4(GLB1):c.905G>A (p.Ser302Asn)

Gene: GLB1 (galactosidase beta 1; minus strand). Cytogenetic location: 3p22.3.
Variant type: single nucleotide variant.
Coding change: c.905G>A on transcript NM_000404.4 (MANE Select); coding-DNA position 905, G replaced by A.
Protein change: p.Ser302Asn; replaces serine 302 with asparagine.
Molecular consequence: missense variant.
Genome position (GRCh38, 1-based): chr3:33,051,892, C>T on the plus strand (G>A on the coding strand, the complement: GLB1 is on the minus strand). VCF-style: chr3-33051892-C-T. GRCh37 (hg19) VCF-style: chr3-33093384-C-T.
Other names: c.815G>A, p.Ser272Asn (NM_001079811.3); c.512G>A, p.Ser171Asn (NM_001135602.3); c.1049G>A, p.Ser350Asn (NM_001317040.2); c.905G>A, p.Ser302Asn (NM_001393580.1); c.905G>A (NM_000404.2); short protein forms S302N, S350N, S171N, S272N.
Identifiers: ClinVar variation 1943059 (VCV001943059.3), dbSNP rs2125523018, ClinGen allele CA352001192.